The following is an entry in ClinVar:

NM_001291303.3(FAT4):c.9057A>G (p.Ser3019=)

Gene: FAT4 (FAT atypical cadherin 4; plus strand). Cytogenetic location: 4q28.1.
Variant type: single nucleotide variant.
Coding change: c.9057A>G on transcript NM_001291303.3 (MANE Select); coding-DNA position 9057, A replaced by G.
Protein change: p.Ser3019=; no amino-acid change (serine 3019 retained).
Molecular consequence: synonymous variant.
Genome position (GRCh38, 1-based): chr4:125,450,067, A>G. VCF-style: chr4-125450067-A-G. GRCh37 (hg19) VCF-style: chr4-126371222-A-G.
Other names: c.9057A>G, p.Ser3019= (NM_001291285.3); c.9051A>G, p.Ser3017= (NM_024582.6); c.9051A>G (NM_024582.4).
Identifiers: ClinVar variation 1631060 (VCV001631060.10), dbSNP rs763659763, ClinGen allele CA3073460.
Genomic context (GRCh38, chr4:125,450,067, plus strand): 5'-GGTTGGTACGAAGTTAATCAGAGTTACAGCAATAGATGACAAAGATTTTGGACTGAATTC[A>G]GAAGTGGAGTATTTCATTTCTAATGATAACCATTTAGGAAAATTTAAGTTGGACAATGAT-3'
Protein context (NP_001278232.1, residues 3009-3029): AIDDKDFGLN[Ser3019=]EVEYFISNDN

ClinVar aggregate classification (germline): Likely benign. Review status: criteria provided, single submitter (1 of 4 stars). 2 submissions from 2 submitters: Likely benign (1). 1 of the submissions does not count toward it. Last evaluated 2024-06-29.

Conditions:
FAT4-related disorder. Also called: FAT4-related condition.

Allele frequency attached by ClinVar (database versions not stated): ExAC 0.00001.
gnomAD v4.1: 2 of 1,613,934 alleles (0.00012%); highest among the groups gnomAD compares: African/African-American, 0.0013%; no homozygotes.

Submissions (2):

Labcorp Genetics (formerly Invitae), Labcorp
Classification: Likely benign. Last evaluated: 2024-06-29. Review status: criteria provided, single submitter. Criteria: Invitae Variant Classification Sherloc (09022015). Collection method: clinical testing. Allele origin: germline.

PreventionGenetics, part of Exact Sciences
Classification: Likely benign for FAT4-related condition. Last evaluated: 2021-04-19. Review status: no assertion criteria provided. Collection method: clinical testing. Allele origin: germline. Not counted in ClinVar's aggregate classification.
Comment: This variant is classified as likely benign based on ACMG/AMP sequence variant interpretation guidelines (Richards et al. 2015 PMID: 25741868, with internal and published modifications).